The following is an entry in ClinVar:

NM_014000.3(VCL):c.853C>T (p.Arg285Cys)

Gene: VCL (vinculin; plus strand). Cytogenetic location: 10q22.2.
Variant type: single nucleotide variant.
Coding change: c.853C>T on transcript NM_014000.3 (MANE Select); coding-DNA position 853, C replaced by T.
Protein change: p.Arg285Cys; replaces arginine 285 with cysteine.
Molecular consequence: missense variant.
Genome position (GRCh38, 1-based): chr10:74,082,523, C>T. VCF-style: chr10-74082523-C-T. GRCh37 (hg19) VCF-style: chr10-75842281-C-T.
Other names: c.853C>T, p.Arg285Cys (NM_003373.4); short protein forms R285C.
Identifiers: ClinVar variation 536711 (VCV000536711.12), dbSNP rs757517552, ClinGen allele CA5562874.

ClinVar aggregate classification (germline): Uncertain significance. Review status: criteria provided, multiple submitters, no conflicts (2 of 4 stars). 5 submissions from 5 submitters: Uncertain significance (4). 1 of the submissions does not count toward it. Last evaluated 2024-04-23.

Conditions:
Dilated cardiomyopathy 1W (CMD1W). Identifiers: Orphanet 154, MedGen C1969639, MONDO:0012667, OMIM 611407.
Cardiovascular phenotype. Identifiers: MedGen CN230736.
Hypertrophic cardiomyopathy 15. Identifiers: MedGen C2750459, MONDO:0013200, OMIM 613255.
Hypertrophic cardiomyopathy. Also called: HYPERTROPHIC MYOCARDIOPATHY. Identifiers: Orphanet 217569, MedGen C0007194, MeSH D002312, MONDO:0005045, HP:0001639.

Allele frequency attached by ClinVar (database versions not stated): TOPMed 0.00001; ExAC 0.00002; gnomAD exomes 0.00002.
gnomAD v4.1: 9 of 1,614,092 alleles (0.00056%); highest among the groups gnomAD compares: East Asian, 0.0045%; no homozygotes.

Submissions (5):

Ambry Genetics
Classification: Uncertain significance for Cardiovascular phenotype. Last evaluated: 2024-04-23. Review status: criteria provided, single submitter. Criteria: Ambry Variant Classification Scheme 2023. Collection method: clinical testing. Allele origin: germline.
Comment: The p.R285C variant (also known as c.853C>T), located in coding exon 7 of the VCL gene, results from a C to T substitution at nucleotide position 853. The arginine at codon 285 is replaced by cysteine, an amino acid with highly dissimilar properties. This amino acid position is conserved. In addition, the in silico prediction for this alteration is inconclusive. Based on the available evidence, the clinical significance of this variant remains unclear.

Labcorp Genetics (formerly Invitae), Labcorp
Classification: Uncertain significance for Dilated cardiomyopathy 1W. Last evaluated: 2023-08-02. Review status: criteria provided, single submitter. Criteria: Invitae Variant Classification Sherloc (09022015). Collection method: clinical testing. Allele origin: germline.
Comment: This variant has not been reported in the literature in individuals affected with VCL-related conditions. ClinVar contains an entry for this variant (Variation ID: 536711). An algorithm developed to predict the effect of missense changes on protein structure and function (PolyPhen-2) suggests that this variant is likely to be disruptive. In summary, the available evidence is currently insufficient to determine the role of this variant in disease. Therefore, it has been classified as a Variant of Uncertain Significance. This sequence change replaces arginine, which is basic and polar, with cysteine, which is neutral and slightly polar, at codon 285 of the VCL protein (p.Arg285Cys). This variant is present in population databases (rs757517552, gnomAD 0.006%).

Fulgent Genetics
Classification: Uncertain significance for Dilated cardiomyopathy 1W; Hypertrophic cardiomyopathy 15. Last evaluated: 2021-08-24. Review status: criteria provided, single submitter. Criteria: ACMG Guidelines, 2015. Collection method: clinical testing. Allele origin: unknown.

Center of Genomic medicine, Geneva, University Hospital of Geneva
Classification: Uncertain significance for Hypertrophic cardiomyopathy. Last evaluated: 2019-02-20. Review status: criteria provided, single submitter. Criteria: ACMG Guidelines, 2015. Collection method: clinical testing. Allele origin: maternal. Affected: yes. Observed: 3 variant alleles.

Zaffran Lab, Genetics of Cardiac Diseases Laboratory, Marseille Medical Genetics
Classification: Uncertain significance for hypertrophic cardiomyopathy. Review status: no assertion criteria provided. Collection method: research. Allele origin: unknown. Affected: yes. Not counted in ClinVar's aggregate classification.